The following is an entry in ClinVar:

NM_181882.3(PRX):c.1951G>A (p.Asp651Asn)

Gene: PRX (periaxin; minus strand). Cytogenetic location: 19q13.2.
Variant type: single nucleotide variant.
Coding change: c.1951G>A on transcript NM_181882.3 (MANE Select); coding-DNA position 1951, G replaced by A.
Protein change: p.Asp651Asn; replaces aspartic acid 651 with asparagine.
Molecular consequence: missense variant. On other transcripts: 3 prime UTR variant (1).
Genome position (GRCh38, 1-based): chr19:40,396,401, C>T on the plus strand (G>A on the coding strand, the complement: PRX is on the minus strand). VCF-style: chr19-40396401-C-T. GRCh37 (hg19) VCF-style: chr19-40902308-C-T.
Other names: c.*2156G>A (NM_020956.2); short protein forms D651N.
Identifiers: ClinVar variation 38452 (VCV000038452.12), dbSNP rs3814290, ClinGen allele CA220090.
Genomic context (GRCh38, chr19:40,396,401, plus strand): 5'-GCATTTTAGGGAGTTTCATCTCTGGGACTTTCGGGAGCTGCACTTCCGGGAGGTGCACAT[C>T]GGGCACAGCCATCTCGGGCACCTTCGGGAGTTTCACCTCAGGGAGTTTCATCTCAGGGAG-3'
Protein context (NP_870998.2, residues 641-661): LPKVPEMAVP[Asp651Asn]VHLPEVQLPK

ClinVar aggregate classification (germline): Uncertain significance. Review status: criteria provided, multiple submitters, no conflicts (2 of 4 stars). 7 submissions from 7 submitters: Uncertain significance (3). 4 of the submissions do not count toward it. Last evaluated 2025-08-06.

Conditions:
Inborn genetic diseases. Identifiers: MedGen C0950123, MeSH D030342.
Charcot-Marie-Tooth disease. Also called: Charcot-Marie-Tooth Hereditary Neuropathy; Charcot-Marie-Tooth Neuropathy. Identifiers: Orphanet 166, MedGen C0007959, MONDO:0015626.
Charcot-Marie-Tooth disease type 4. Also called: Charcot-Marie-Tooth, Type 4; Charcot-Marie-Tooth disease, type IV. Identifiers: Orphanet 64749, MedGen C4082197, MONDO:0018995.
Charcot-Marie-Tooth disease type 4F. Also called: Charcot-Marie-Tooth disease, demyelinating, type 4F. Identifiers: Orphanet 99952, MedGen C3540453, MONDO:0013959, OMIM 614895.

Allele frequency attached by ClinVar (database versions not stated): TOPMed 0.00002; ESP Exome Variant Server 0.00008; ExAC 0.00011; 1000 Genomes Project 30x 0.00016; 1000 Genomes Project 0.00020.

Submissions (7):

Mayo Clinic Laboratories, Mayo Clinic
Classification: Uncertain significance. Last evaluated: 2025-08-06. Review status: criteria provided, single submitter. Criteria: ACMG Guidelines, 2015. Collection method: clinical testing. Allele origin: germline. Observed: 1 variant allele.
Comment: BP4_moderate

Labcorp Genetics (formerly Invitae), Labcorp
Classification: Uncertain significance for Charcot-Marie-Tooth disease type 4. Last evaluated: 2021-08-27. Review status: criteria provided, single submitter. Criteria: Invitae Variant Classification Sherloc (09022015). Collection method: clinical testing. Allele origin: germline.
Comment: This sequence change replaces aspartic acid with asparagine at codon 651 of the PRX protein (p.Asp651Asn). The aspartic acid residue is moderately conserved and there is a small physicochemical difference between aspartic acid and asparagine. This variant is present in population databases (rs3814290, ExAC 0.06%). This missense change has been observed in individual(s) with Charcot-Marie-Tooth disease (PMID: 22847150). ClinVar contains an entry for this variant (Variation ID: 38452). Algorithms developed to predict the effect of missense changes on protein structure and function are either unavailable or do not agree on the potential impact of this missense change (SIFT: "Deleterious"; PolyPhen-2: "Possibly Damaging"; Align-GVGD: "Class C0"). In summary, the available evidence is currently insufficient to determine the role of this variant in disease. Therefore, it has been classified as a Variant of Uncertain Significance.

Ambry Genetics
Classification: Uncertain significance for Inborn genetic diseases. Last evaluated: 2021-07-13. Review status: criteria provided, single submitter. Criteria: Ambry Variant Classification Scheme 2023. Collection method: clinical testing. Allele origin: germline.
Comment: The p.D651N variant (also known as c.1951G>A), located in coding exon 4 of the PRX gene, results from a G to A substitution at nucleotide position 1951. The aspartic acid at codon 651 is replaced by asparagine, an amino acid with highly similar properties. This variant was detected in the homozygous state in an individual with slowly progressive neuropathy (Tokunaga S et al. Neurogenetics, 2012 Nov;13:359-65). This amino acid position is poorly conserved in available vertebrate species. In addition, this alteration is predicted to be tolerated by in silico analysis. Since supporting evidence is limited at this time, the clinical significance of this alteration remains unclear.

OMIM
Classification: Pathogenic for CHARCOT-MARIE-TOOTH DISEASE, DEMYELINATING, TYPE 4F, LATE-ONSET. Last evaluated: 2012-11-01. Review status: no assertion criteria provided. Collection method: literature only. Allele origin: germline. Not counted in ClinVar's aggregate classification.

GeneReviews
No classification provided. Condition: Charcot-Marie-Tooth disease type 4F. Review status: no classification provided. Collection method: literature only. Allele origin: unknown. Not counted in ClinVar's aggregate classification.

Inherited Neuropathy Consortium
Classification: Uncertain significance for Charcot-Marie-Tooth disease. Review status: no assertion criteria provided. Collection method: literature only. Allele origin: germline. Affected: yes. Not counted in ClinVar's aggregate classification.

UniProtKB/Swiss-Prot
No classification provided. Review status: no classification provided. Collection method: not provided. Allele origin: not provided. Not counted in ClinVar's aggregate classification.

Literature cited by the submitters: PubMed 22847150 (cited by 5 submitters); PubMed 34002422 (cited by Mayo Clinic Laboratories, Mayo Clinic); PubMed 34993357 (cited by Mayo Clinic Laboratories, Mayo Clinic); PubMed 20301641 (cited by GeneReviews); NCBI Bookshelf NBK1468 (cited by GeneReviews).